The following is an entry in ClinVar:

NM_002907.4(RECQL):c.121del (p.Val41fs)

Gene: RECQL (RecQ like helicase; minus strand). Cytogenetic location: 12p12.1.
Variant type: Deletion.
Coding change: c.121del on transcript NM_002907.4 (MANE Select); coding-DNA position 121, one base deleted (G; older notation c.121delG).
Protein change: p.Val41fs; shifts the reading frame from valine 41.
Molecular consequence: frameshift variant.
Genome position (GRCh38, 1-based): chr12:21,491,612, C deleted on the plus strand (G on the coding strand, the reverse complement: RECQL is on the minus strand). VCF-style (leftmost placement, unchanged base first): chr12-21491611-AC-A. GRCh37 (hg19) VCF-style: chr12-21644545-AC-A.
Other names: c.121del, p.Val41fs (NM_032941.3); short protein forms V41fs.
Identifiers: ClinVar variation 1752720 (VCV001752720.2), dbSNP rs1943415792, ClinGen allele CA945494669.

ClinVar aggregate classification (germline): Uncertain significance (1 of 4 stars; one submission).

Allele frequency attached by ClinVar (database versions not stated): gnomAD 0.00001.

Submission:

Ambry Genetics
Classification: Uncertain significance. Last evaluated: 2022-01-24. Review status: criteria provided, single submitter. Criteria: Ambry Variant Classification Scheme 2023. Collection method: clinical testing. Allele origin: germline.
Comment: The c.121delG variant, located in coding exon 2 of the RECQL gene, results from a deletion of one nucleotide at nucleotide position 121, causing a translational frameshift with a predicted alternate stop codon (p.V41Sfs*2). The predicted stop codon occurs in the 5&rsquo; end of the RECQL gene. Premature termination codons in the 5&rsquo; end of a gene have been reported to escape nonsense-mediated mRNAdecay and/or lead to re-initiation (Rivas et al. Science. 2015 May 8;348(6235):666-9; Lindeboom et al. Nat Genet. 2016 Oct;48(10):1112-8; Rhee et al. Sci Rep. 2017 May 10;7(1):1653). The exact functional effect of this alteration is unknown. The evidence for this gene-disease relationship is limited; therefore, the clinical significance of this alteration is unclear.